The following is an entry in ClinVar:

ClinVar aggregate classification (germline): Uncertain significance (1 of 4 stars; one submission).

Submission:

Ambry Genetics
Classification: Uncertain significance. Last evaluated: 2024-10-15. Review status: criteria provided, single submitter. Criteria: Ambry Variant Classification Scheme 2023. Collection method: clinical testing. Allele origin: germline.
Comment: The c.42+5G>T intronic variant results from a G to T substitution 5 nucleotides after coding exon 1 in the RINT1 gene. This nucleotide position is highly conserved in available vertebrate species. In silico splice site analysis for this alteration is inconclusive. The evidence for this gene-disease relationship is limited; therefore, the clinical significance of this alteration is unclear.

NM_021930.6(RINT1):c.42+5G>T

Gene: RINT1 (RAD50 interactor 1; plus strand). Cytogenetic location: 7q22.3.
Variant type: single nucleotide variant.
Coding change: c.42+5G>T on transcript NM_021930.6 (MANE Select); 5 bases into the intron after coding-DNA position 42, G replaced by T.
Molecular consequence: intron variant.
Genome position (GRCh38, 1-based): chr7:105,532,362, G>T. VCF-style: chr7-105532362-G-T. GRCh37 (hg19) VCF-style: chr7-105172809-G-T.
Other names: c.-978+5G>T (NM_001346600.2); c.-881+5G>T (NM_001346601.2); c.-501+5G>T (NM_001346603.2); c.-56+5G>T (NM_001346599.2).
Identifiers: ClinVar variation 3433578 (VCV003433578.1).